The following is an entry in ClinVar:

ClinVar aggregate classification (germline): Pathogenic/Likely pathogenic. Review status: criteria provided, multiple submitters, no conflicts (2 of 4 stars). 3 submissions from 3 submitters: Pathogenic (1); Likely pathogenic (1). 1 of the submissions does not count toward it. Last evaluated 2025-01-15.

Conditions:
Asphyxiating thoracic dystrophy 3. Also called: SHORT-RIB THORACIC DYSPLASIA 3 WITH OR WITHOUT POLYDACTYLY; POLYDACTYLY WITH NEONATAL CHONDRODYSTROPHY, TYPE I; SHORT-RIB THORACIC DYSPLASIA 3/6 WITH POLYDACTYLY, DIGENIC; Short rib polydactyly syndrome 2B; Saldino-Noonan Syndrome. Identifiers: Orphanet 474, Orphanet 93269, Orphanet 93270, Orphanet 93271, MedGen C0036069, MONDO:0013127, OMIM 613091.
Jeune thoracic dystrophy. Also called: Jeune syndrome; Infantile thoracic dystrophy; Thoracic pelvic phalangeal dystrophy; Jeune's syndrome; Chondroectodermal dysplasia-like syndrome; Short-rib thoracic dysplasia. Identifiers: Orphanet 474, MedGen C0265275, MONDO:0018770.

Allele frequency attached by ClinVar (database versions not stated): gnomAD exomes 0.00001 and 0.00003; gnomAD 0.00002 and 0.00003; TOPMed 0.00002; ExAC 0.00003; 1000 Genomes Project 30x 0.00016; 1000 Genomes Project 0.00020.
gnomAD v4.1: 21 of 1,610,412 alleles (0.0013%); highest among the groups gnomAD compares: Middle Eastern, 0.017%; no homozygotes.

Submissions (3):

Institute of Medical Genetics and Applied Genomics, University Hospital Tübingen
Classification: Likely pathogenic for Asphyxiating thoracic dystrophy 3. Last evaluated: 2025-01-15. Review status: criteria provided, single submitter. Criteria: ACMG Guidelines, 2015. Collection method: clinical testing. Allele origin: germline. Inheritance: Autosomal recessive inheritance. Affected: yes.

Labcorp Genetics (formerly Invitae), Labcorp
Classification: Pathogenic for Jeune thoracic dystrophy. Last evaluated: 2024-10-20. Review status: criteria provided, single submitter. Criteria: Invitae Variant Classification Sherloc (09022015). Collection method: clinical testing. Allele origin: germline.
Comment: This sequence change replaces isoleucine, which is neutral and non-polar, with threonine, which is neutral and polar, at codon 1240 of the DYNC2H1 protein (p.Ile1240Thr). This variant is present in population databases (rs137853028, gnomAD 0.007%). This missense change has been observed in individual(s) with asphyxiating thoracic dystrophy (PMID: 19442771, 23339108, 23456818). In at least one individual the data is consistent with being in trans (on the opposite chromosome) from a pathogenic variant. ClinVar contains an entry for this variant (Variation ID: 6504). Invitae Evidence Modeling of protein sequence and biophysical properties (such as structural, functional, and spatial information, amino acid conservation, physicochemical variation, residue mobility, and thermodynamic stability) indicates that this missense variant is expected to disrupt DYNC2H1 protein function with a positive predictive value of 95%. For these reasons, this variant has been classified as Pathogenic.

OMIM
Classification: Pathogenic for SHORT-RIB THORACIC DYSPLASIA 3 WITHOUT POLYDACTYLY. Last evaluated: 2009-05-01. Review status: no assertion criteria provided. Collection method: literature only. Allele origin: germline. Not counted in ClinVar's aggregate classification.

Literature cited by the submitters: PubMed 19442771 (cited by Labcorp Genetics (formerly Invitae), Labcorp and OMIM); PubMed 23339108 (cited by Labcorp Genetics (formerly Invitae), Labcorp); PubMed 23456818 (cited by Labcorp Genetics (formerly Invitae), Labcorp and OMIM).

NM_001377.3(DYNC2H1):c.3719T>C (p.Ile1240Thr)

Gene: DYNC2H1 (dynein cytoplasmic 2 heavy chain 1; plus strand). Cytogenetic location: 11q22.3.
Variant type: single nucleotide variant.
Coding change: c.3719T>C on transcript NM_001377.3 (MANE Select); coding-DNA position 3719, T replaced by C.
Protein change: p.Ile1240Thr; replaces isoleucine 1240 with threonine.
Molecular consequence: missense variant.
Genome position (GRCh38, 1-based): chr11:103,155,476, T>C. VCF-style: chr11-103155476-T-C. GRCh37 (hg19) VCF-style: chr11-103026205-T-C.
Other names: c.3719T>C, p.Ile1240Thr (NM_001080463.2); short protein forms I1240T.
Identifiers: ClinVar variation 6504 (VCV000006504.5), dbSNP rs137853028, ClinGen allele CA210501.